The following is an entry in ClinVar:

NM_000202.8(IDS):c.1372C>T (p.Arg458Cys)

Gene: IDS (iduronate 2-sulfatase; minus strand). Cytogenetic location: Xq28.
Variant type: single nucleotide variant.
Coding change: c.1372C>T on transcript NM_000202.8 (MANE Select); coding-DNA position 1372, C replaced by T.
Protein change: p.Arg458Cys; replaces arginine 458 with cysteine.
Molecular consequence: missense variant.
Genome position (GRCh38, 1-based): chrX:149,483,027, G>A on the plus strand (C>T on the coding strand, the complement: IDS is on the minus strand). VCF-style: chrX-149483027-G-A. GRCh37 (hg19) VCF-style: chrX-148564558-G-A.
Other names: c.1372C>T (NM_000202.5, NM_000202.7); c.1102C>T, p.Arg368Cys (NM_001166550.4); short protein forms R458C, R368C.
Identifiers: ClinVar variation 747479 (VCV000747479.14), dbSNP rs782340858, ClinGen allele CA10537452.

ClinVar aggregate classification (germline): Conflicting classifications of pathogenicity. Review status: criteria provided, conflicting classifications (1 of 4 stars). 4 submissions from 4 submitters: Uncertain significance (1); Likely benign (2). 1 of the submissions does not count toward it. Last evaluated 2026-06-03.

Conditions:
IDS-related disorder. Also called: IDS-related condition.
Inborn genetic diseases. Identifiers: MedGen C0950123, MeSH D030342.
Mucopolysaccharidosis, MPS-II (MPS2). Also called: IDS deficiency; Sulfoiduronate sulfatase deficiency; SIDS deficiency; Mucopolysaccharidosis with skin involvement; Mucopolysaccharidosis type 2; Attenuated MPS (subtype; formerly known as mild MPS II). Identifiers: Orphanet 580, Orphanet 79388, MedGen C0026705, MONDO:0010674, OMIM 309900.

Allele frequency attached by ClinVar (database versions not stated): gnomAD exomes 0.00003; ExAC 0.00005; TOPMed 0.00005.
gnomAD v4.1: 67 of 1,207,129 alleles (0.0056%); highest among the groups gnomAD compares: Middle Eastern, 0.023%; no homozygotes.

Submissions (4):

PreventionGenetics, part of Exact Sciences
Classification: Likely benign for IDS-related condition. Last evaluated: 2026-06-03. Review status: criteria provided, single submitter. Criteria: ACMG Guidelines, 2015. Collection method: clinical testing. Allele origin: germline.
Comment: This variant is classified as likely benign based on ACMG/AMP sequence variant interpretation guidelines (Richards et al. 2015 PMID: 25741868, with internal and published modifications).

Labcorp Genetics (formerly Invitae), Labcorp
Classification: Likely benign for Mucopolysaccharidosis, MPS-II. Last evaluated: 2025-08-13. Review status: criteria provided, single submitter. Criteria: Invitae Variant Classification Sherloc (09022015). Collection method: clinical testing. Allele origin: germline.

Ambry Genetics
Classification: Uncertain significance for Inborn genetic diseases. Last evaluated: 2018-09-15. Review status: criteria provided, single submitter. Criteria: Ambry Variant Classification Scheme 2023. Collection method: clinical testing. Allele origin: germline.
Comment: The p.R458C variant (also known as c.1372C>T), located in coding exon 9 of the IDS gene, results from a C to T substitution at nucleotide position 1372. The arginine at codon 458 is replaced by cysteine, an amino acid with highly dissimilar properties. This amino acid position is not well conserved in available vertebrate species. In addition, the in silico prediction for this alteration is inconclusive. Since supporting evidence is limited at this time, the clinical significance of this alteration remains unclear.

Natera, Inc.
Classification: Likely benign for Mucopolysaccharidosis type II. Last evaluated: 2020-09-16. Review status: no assertion criteria provided. Collection method: clinical testing. Allele origin: germline. Not counted in ClinVar's aggregate classification.